The following is an entry in ClinVar:

NM_000900.5(MGP):c.41C>T (p.Ala14Val)

Gene: MGP (matrix Gla protein; minus strand). Cytogenetic location: 12p12.3.
Variant type: single nucleotide variant.
Coding change: c.41C>T on transcript NM_000900.5 (MANE Select); coding-DNA position 41, C replaced by T.
Protein change: p.Ala14Val; replaces alanine 14 with valine.
Molecular consequence: missense variant.
Genome position (GRCh38, 1-based): chr12:14,885,751, G>A on the plus strand (C>T on the coding strand, the complement: MGP is on the minus strand). VCF-style: chr12-14885751-G-A. GRCh37 (hg19) VCF-style: chr12-15038685-G-A.
Other names: c.41C>T, p.Ala14Val (NM_001190839.3); short protein forms A14V.
Identifiers: ClinVar variation 1501580 (VCV001501580.6), dbSNP rs2120448107, ClinGen allele CA384021260.

ClinVar aggregate classification (germline): Uncertain significance (1 of 4 stars; one submission).

Allele frequency attached by ClinVar (database versions not stated): gnomAD exomes below 0.00001.

Submission:

Labcorp Genetics (formerly Invitae), Labcorp
Classification: Uncertain significance. Last evaluated: 2023-08-04. Review status: criteria provided, single submitter. Criteria: Invitae Variant Classification Sherloc (09022015). Collection method: clinical testing. Allele origin: germline.
Comment: This sequence change replaces alanine, which is neutral and non-polar, with valine, which is neutral and non-polar, at codon 14 of the MGP protein (p.Ala14Val). This variant is not present in population databases (gnomAD no frequency). This variant has not been reported in the literature in individuals affected with MGP-related conditions. ClinVar contains an entry for this variant (Variation ID: 1501580). Algorithms developed to predict the effect of missense changes on protein structure and function output the following: SIFT: "Not Available"; PolyPhen-2: "Benign"; Align-GVGD: "Not Available". The valine amino acid residue is found in multiple mammalian species, which suggests that this missense change does not adversely affect protein function. Algorithms developed to predict the effect of sequence changes on RNA splicing suggest that this variant may disrupt the consensus splice site. In summary, the available evidence is currently insufficient to determine the role of this variant in disease. Therefore, it has been classified as a Variant of Uncertain Significance.